The following is an entry in ClinVar:

NM_002303.6(LEPR):c.2396-2A>C

Gene: LEPR (leptin receptor; plus strand). Cytogenetic location: 1p31.3.
Variant type: single nucleotide variant.
Coding change: c.2396-2A>C on transcript NM_002303.6 (MANE Select); the canonical splice acceptor site of the intron before coding-DNA position 2396, A replaced by C.
Molecular consequence: splice acceptor variant.
Genome position (GRCh38, 1-based): chr1:65,619,926, A>C. VCF-style: chr1-65619926-A-C. GRCh37 (hg19) VCF-style: chr1-66085609-A-C.
Other names: c.2396-2A>C (NM_001003679.3, NM_001003680.3, NM_001198689.2 and 2 more transcripts).
Identifiers: ClinVar variation 4732471 (VCV004732471.1).

ClinVar aggregate classification (germline): Pathogenic (1 of 4 stars; one submission).

Submission:

Labcorp Genetics (formerly Invitae), Labcorp
Classification: Pathogenic. Last evaluated: 2025-12-03. Review status: criteria provided, single submitter. Criteria: Invitae Variant Classification Sherloc (09022015). Collection method: clinical testing. Allele origin: germline.
Comment: This sequence change affects an acceptor splice site in intron 16 of the LEPR gene. It is expected to disrupt RNA splicing. Variants that disrupt the donor or acceptor splice site typically lead to a loss of protein function (PMID: 16199547), and loss-of-function variants in LEPR are known to be pathogenic (PMID: 23616257, 24319006, 25751111). This variant is not present in population databases (gnomAD no frequency). Disruption of this splice site has been observed in individuals with LEPR-related conditions (PMID: 32349990). Algorithms developed to predict the effect of sequence changes on RNA splicing suggest that this variant may disrupt the consensus splice site. For these reasons, this variant has been classified as Pathogenic.

Literature cited by the submitters: PubMed 16199547; PubMed 23616257; PubMed 24319006; PubMed 25751111; PubMed 32349990.